The following is an entry in ClinVar:

NM_000719.7(CACNA1C):c.1582T>G (p.Trp528Gly)

Gene: CACNA1C (calcium voltage-gated channel subunit alpha1 C; plus strand). Cytogenetic location: 12p13.33.
Variant type: single nucleotide variant.
Coding change: c.1582T>G on transcript NM_000719.7 (MANE Select); coding-DNA position 1582, T replaced by G.
Protein change: p.Trp528Gly; replaces tryptophan 528 with glycine.
Molecular consequence: missense variant.
Genome position (GRCh38, 1-based): chr12:2,566,495, T>G. VCF-style: chr12-2566495-T-G. GRCh37 (hg19) VCF-style: chr12-2675661-T-G.
Other names: c.1582T>G, p.Trp528Gly (NM_001129827.2, NM_001129829.2, NM_001129830.3 and 18 more transcripts); c.1573T>G, p.Trp525Gly (NM_001129844.2); short protein forms W528G, W525G.
Identifiers: ClinVar variation 492985 (VCV000492985.4), dbSNP rs755846732, ClinGen allele CA383368542.

ClinVar aggregate classification (germline): Uncertain significance. Review status: criteria provided, multiple submitters, no conflicts (2 of 4 stars). 2 submissions from 2 submitters: Uncertain significance (2). Last evaluated 2025-02-03.

Conditions:
Long QT syndrome 8. Identifiers: MedGen CN260585, MONDO:0032756, OMIM 618447.
Primary dilated cardiomyopathy (DCM). Also called: Dilated Cardiomyopathy. Identifiers: Orphanet 217604, MedGen C0007193, MeSH D002311, MONDO:0005021, HP:0001644. Inheritance: Various modes of inheritance.

gnomAD v4.1: 7 of 1,594,824 alleles (0.00044%); highest among the groups gnomAD compares: Non-Finnish European, 0.0006%; no homozygotes.

Submissions (2):

Victorian Clinical Genetics Services, Murdoch Childrens Research Institute
Classification: Uncertain significance for Long QT syndrome 8. Last evaluated: 2025-02-03. Review status: criteria provided, single submitter. Criteria: ACMG Guidelines, 2015. Collection method: clinical testing. Allele origin: germline. Affected: no.
Comment: This variant is classified as VUS-3A. Evidence in support of pathogenic classification: Variant is present in gnomAD <0.001 for a dominant condition (v4: 7 heterozygote(s), 0 homozygote(s)) ; Missense variant predicted to be damaging by in silico tool(s) or highly conserved with a major amino acid change. Additional information: Variant is predicted to result in a missense amino acid change from tryptophan to glycine; This variant is heterozygous; This gene is associated with autosomal dominant disease; Alternative amino acid change(s) at the same position are present in gnomAD (Highest allele count: v4: 4 heterozygote(s), 0 homozygote(s)) ; This variant has no previous evidence of pathogenicity; No published segregation evidence has been identified for this variant; No published functional evidence has been identified for this variant; No comparable missense variants have previous evidence for pathogenicity; Variant is located in the annotated Ion transport protein domain (NCBI); Loss of function and gain of function are known mechanisms of disease in this gene. Loss-of-function variants are associated with neurodevelopmental disorder with hypotonia, language delay, and skeletal defects with or without seizures, AD (MIM#620029) (PMID: 34163037). Gain-of-function missense variants result in loss of channel inactivation and increased current, and are associated with long QT syndrome 8 (MIM#618447) and Timothy syndrome (MIM#601005, PMID: 25260352); Variants in this gene are known to have variable expressivity. Parents with the same variant as their affected child have been observed to have a less severe phenotype (PMID: 34163037); Inheritance information for this variant is not currently available in this individual.

Agnes Ginges Centre for Molecular Cardiology, Centenary Institute
Classification: Uncertain significance for Primary dilated cardiomyopathy. Last evaluated: 2017-03-14. Review status: criteria provided, single submitter. Criteria: ACMG Guidelines, 2015. Collection method: research. Allele origin: germline. Inheritance: Autosomal dominant inheritance. Affected: yes.
Comment: The CACNA1C Trp528Gly is a novel rare variant being absent from both population databases: 1000 genomes project and Exome Aggregation Consortium dataset. In silico tools predict that the protein to be pathogenic (SIFT, PolyPhen-2, MutationTaster). Due to the lack of information we have classified CACNA1C Trp528Gly as a variant of 'uncertain significance'.

Literature cited by the submitters: PubMed 25260352 (cited by Victorian Clinical Genetics Services, Murdoch Childrens Research Institute); PubMed 34163037 (cited by Victorian Clinical Genetics Services, Murdoch Childrens Research Institute).